The following is an entry in ClinVar:

NM_080680.3(COL11A2):c.3138G>C (p.Glu1046Asp)

Gene: COL11A2 (collagen type XI alpha 2 chain; minus strand). Cytogenetic location: 6p21.32.
Variant type: single nucleotide variant.
Coding change: c.3138G>C on transcript NM_080680.3 (MANE Select); coding-DNA position 3138, G replaced by C.
Protein change: p.Glu1046Asp; replaces glutamic acid 1046 with aspartic acid.
Molecular consequence: missense variant.
Genome position (GRCh38, 1-based): chr6:33,171,725, C>G on the plus strand (G>C on the coding strand, the complement: COL11A2 is on the minus strand). VCF-style: chr6-33171725-C-G. GRCh37 (hg19) VCF-style: chr6-33139502-C-G.
Other names: c.2817G>C, p.Glu939Asp (NM_080679.3); c.2880G>C, p.Glu960Asp (NM_080681.3); short protein forms E1046D, E939D, E960D.
Identifiers: ClinVar variation 1216742 (VCV001216742.11), dbSNP rs773329088, ClinGen allele CA3750633.

ClinVar aggregate classification (germline): Conflicting classifications of pathogenicity. Review status: criteria provided, conflicting classifications (1 of 4 stars). 3 submissions from 3 submitters: Uncertain significance (2); Likely benign (1). Last evaluated 2026-01-05.

Allele frequency attached by ClinVar (database versions not stated): gnomAD exomes 0.00002; TOPMed 0.00002; gnomAD 0.00003; ExAC 0.00004.
gnomAD v4.1: 31 of 1,612,730 alleles (0.0019%); highest among the groups gnomAD compares: Non-Finnish European, 0.0024%; no homozygotes.

Submissions (3):

Labcorp Genetics (formerly Invitae), Labcorp
Classification: Likely benign. Last evaluated: 2026-01-05. Review status: criteria provided, single submitter. Criteria: Invitae Variant Classification Sherloc (09022015). Collection method: clinical testing. Allele origin: germline.

GeneDx
Classification: Uncertain significance. Last evaluated: 2024-01-02. Review status: criteria provided, single submitter. Criteria: GeneDx Variant Classification Process June 2021. Collection method: clinical testing. Allele origin: germline. Affected: yes.
Comment: Has not been previously published as pathogenic or benign to our knowledge; In silico analysis supports that this missense variant has a deleterious effect on protein structure/function

Women's Health and Genetics/Laboratory Corporation of America, LabCorp
Classification: Uncertain significance. Last evaluated: 2023-10-10. Review status: criteria provided, single submitter. Criteria: LabCorp Variant Classification Summary - May 2015. Collection method: clinical testing. Allele origin: germline.
Comment: Variant summary: COL11A2 c.3138G>C (p.Glu1046Asp) results in a conservative amino acid change in the encoded protein sequence. Three of five in-silico tools predict a damaging effect of the variant on protein function. The variant allele was found at a frequency of 2.4e-05 in 245104 control chromosomes (gnomAD). The available data on variant occurrences in the general population are insufficient to allow any conclusion about variant significance. To our knowledge, no occurrence of c.3138G>C in individuals affected with COL11A2-Related Disorders and no experimental evidence demonstrating its impact on protein function have been reported. Two submitters have cited clinical-significance assessments for this variant to ClinVar after 2014. One submitter classified the variant as likely benign, and one submitter classified the variant as uncertain significance. Based on the evidence outlined above, the variant was classified as uncertain significance.